The following is an entry in ClinVar:

ClinVar aggregate classification (germline): Uncertain significance (1 of 4 stars; one submission).

Conditions:
STING-associated vasculopathy with onset in infancy. Also called: Sting-associated vasculopathy, infantile-onset. Identifiers: Orphanet 425120, MedGen C4014722, MONDO:0014405, OMIM 615934.

Submission:

Labcorp Genetics (formerly Invitae), Labcorp
Classification: Uncertain significance for STING-associated vasculopathy with onset in infancy. Last evaluated: 2022-09-20. Review status: criteria provided, single submitter. Criteria: Invitae Variant Classification Sherloc (09022015). Collection method: clinical testing. Allele origin: germline.
Comment: In summary, the available evidence is currently insufficient to determine the role of this variant in disease. Therefore, it has been classified as a Variant of Uncertain Significance. Algorithms developed to predict the effect of missense changes on protein structure and function output the following: SIFT: "Tolerated"; PolyPhen-2: "Benign"; Align-GVGD: "Class C0". The leucine amino acid residue is found in multiple mammalian species, which suggests that this missense change does not adversely affect protein function. This variant has not been reported in the literature in individuals affected with TMEM173-related conditions. This variant is not present in population databases (gnomAD no frequency). This sequence change replaces proline, which is neutral and non-polar, with leucine, which is neutral and non-polar, at codon 2 of the TMEM173 protein (p.Pro2Leu).

NM_198282.4(STING1):c.5C>T (p.Pro2Leu)

Gene: STING1 (stimulator of interferon response cGAMP interactor 1; minus strand). Cytogenetic location: 5q31.2.
Variant type: single nucleotide variant.
Coding change: c.5C>T on transcript NM_198282.4 (MANE Select); coding-DNA position 5, C replaced by T.
Protein change: p.Pro2Leu; replaces proline 2 with leucine.
Molecular consequence: missense variant. On other transcripts: intron variant (1).
Genome position (GRCh38, 1-based): chr5:139,481,700, G>A on the plus strand (C>T on the coding strand, the complement: STING1 is on the minus strand). VCF-style: chr5-139481700-G-A. GRCh37 (hg19) VCF-style: chr5-138861285-G-A.
Other names: c.5C>T, p.Pro2Leu (NM_001301738.2); c.-130-358C>T (NM_001367258.1); short protein forms P2L.
Identifiers: ClinVar variation 2031357 (VCV002031357.4), dbSNP rs2547066822, ClinGen allele CA361482056.